The following is an entry in ClinVar:

ClinVar aggregate classification (germline): Benign. Review status: criteria provided, multiple submitters, no conflicts (2 of 4 stars). 2 submissions from 2 submitters: Benign (2). Last evaluated 2018-01-13.

Conditions:
Factor 5 and Factor VIII, combined deficiency of, 2. Identifiers: Orphanet 35909, MedGen C3150889, MONDO:0013331, OMIM 613625.

Allele frequency attached by ClinVar (database versions not stated): gnomAD 0.06201; 1000 Genomes Project 30x 0.09400; TOPMed 0.07052; 1000 Genomes Project 0.09265.

Submissions (2):

Illumina Laboratory Services, Illumina
Classification: Benign for Factor 5 and Factor VIII, combined deficiency of, 2. Last evaluated: 2018-01-13. Review status: criteria provided, single submitter. Criteria: ICSL Variant Classification Criteria 13 December 2019. Collection method: clinical testing. Allele origin: germline.
Comment: This variant was observed in the ICSL laboratory as part of a predisposition screen in an ostensibly healthy population. It had not been previously curated by ICSL or reported in the Human Gene Mutation Database (HGMD: prior to June 1st, 2018), and was therefore a candidate for classification through an automated scoring system. Utilizing variant allele frequency, disease prevalence and penetrance estimates, and inheritance mode, an automated score was calculated to assess if this variant is too frequent to cause the disease. Based on the score and internal cut-off values, a variant classified as benign is not then subjected to further curation. The score for this variant resulted in a classification of benign for this disease.

Breakthrough Genomics
Classification: Benign. Review status: criteria provided, single submitter. Criteria: ACMG Guidelines, 2015. Collection method: not provided. Allele origin: germline. Inheritance: Unknown mechanism. Affected: yes.

NM_139279.6(MCFD2):c.*2675C>G

Genes: MCFD2 (multiple coagulation factor deficiency 2, ER cargo receptor complex subunit; minus strand), MCFD2-AS1 (MCFD2 antisense RNA 1; plus strand). Cytogenetic location: 2p21.
Variant type: single nucleotide variant.
Coding change: c.*2675C>G on transcript NM_139279.6 (MANE Select); 2675 bases downstream of the stop codon, C replaced by G.
Molecular consequence: 3 prime UTR variant.
Genome position (GRCh38, 1-based): chr2:46,902,788, G>C on the plus strand (C>G on the coding strand, the complement: MCFD2 is on the minus strand). VCF-style: chr2-46902788-G-C. GRCh37 (hg19) VCF-style: chr2-47129927-G-C.
Other names: c.*2675C>G (NM_001171506.2, NM_001171507.2, NM_001171508.2 and 3 more transcripts).
Identifiers: ClinVar variation 336335 (VCV000336335.6), dbSNP rs17035884, ClinGen allele CA10613520.
Genomic context (GRCh38, chr2:46,902,788, plus strand): 5'-AGCCTAATAAATATCCACTTGCCCAGAGCAAGTAATCATTTAGGCCAGGGGAACTTTACA[G>C]AATACTGACCATGTTTGCCTGAAGAGATAGGAACCACCAGGGCAAACATTTGGTATTCAC-3'